The following is an entry in ClinVar:

ClinVar aggregate classification (germline): Uncertain significance (1 of 4 stars; one submission).

Submission:

GeneDx
Classification: Uncertain significance. Last evaluated: 2024-11-13. Review status: criteria provided, single submitter. Criteria: GeneDx Variant Classification Process June 2021. Collection method: clinical testing. Allele origin: germline. Affected: yes.
Comment: Not observed at significant frequency in large population cohorts (gnomAD); In silico analysis indicates that this missense variant does not alter protein structure/function; Has not been previously published as pathogenic or benign to our knowledge

NM_005120.3(MED12):c.1897C>G (p.Pro633Ala)

Gene: MED12 (mediator complex subunit 12; plus strand). Cytogenetic location: Xq13.1.
Variant type: single nucleotide variant.
Coding change: c.1897C>G on transcript NM_005120.3 (MANE Select); coding-DNA position 1897, C replaced by G.
Protein change: p.Pro633Ala; replaces proline 633 with alanine.
Molecular consequence: missense variant.
Genome position (GRCh38, 1-based): chrX:71,124,311, C>G. VCF-style: chrX-71124311-C-G. GRCh37 (hg19) VCF-style: chrX-70344161-C-G.
Other names: short protein forms P633A.
Identifiers: ClinVar variation 3899609 (VCV003899609.1).
Genomic context (GRCh38, chrX:71,124,311, plus strand): 5'-ATGTATACTTGCACTCTCATCTCCCGAGGGGACCTTGCCTTTGGAGCCCCTGGTCCCCGG[C>G]CTCCCTCTCCCTTTGATGATCCTGCCGATGACCCAGAGCACAAGGAGGCTGAAGGCAGCA-3'
Protein context (NP_005111.2, residues 623-643): DLAFGAPGPR[Pro633Ala]PSPFDDPADD